The following is an entry in ClinVar:

NM_004369.4(COL6A3):c.4660G>A (p.Asp1554Asn)

Gene: COL6A3 (collagen type VI alpha 3 chain; minus strand). Cytogenetic location: 2q37.3.
Variant type: single nucleotide variant.
Coding change: c.4660G>A on transcript NM_004369.4 (MANE Select); coding-DNA position 4660, G replaced by A.
Protein change: p.Asp1554Asn; replaces aspartic acid 1554 with asparagine.
Molecular consequence: missense variant.
Genome position (GRCh38, 1-based): chr2:237,368,803, C>T on the plus strand (G>A on the coding strand, the complement: COL6A3 is on the minus strand). VCF-style: chr2-237368803-C-T. GRCh37 (hg19) VCF-style: chr2-238277446-C-T.
Other names: c.2839G>A, p.Asp947Asn (NM_057166.5); c.4042G>A, p.Asp1348Asn (NM_057167.4); short protein forms D1348N, D1554N, D947N.
Identifiers: ClinVar variation 3624922 (VCV003624922.2).
Genomic context (GRCh38, chr2:237,368,803, plus strand): 5'-CTACCCCTAAACTCACAATGCCCGAGGAACGGATCACCTGGGCGAACCTGGACACATCGT[C>T]CTGGGATTTTCCACCCAGGACCAGGACCAGGTGTTGGGGCACCCCGTCTTCTATGCGACT-3'
Protein context (NP_004360.2, residues 1544-1564): LVLVLGGKSQ[Asp1554Asn]DVSRFAQVIR

ClinVar aggregate classification (germline): Uncertain significance (1 of 4 stars; one submission).

Conditions:
Bethlem myopathy 1A. Also called: Bethlem myopathy 1; MYOPATHY, BENIGN CONGENITAL, WITH CONTRACTURES; Bethlem Muscular Dystrophy. Identifiers: Orphanet 610, MedGen CN029274, MONDO:0024530, OMIM 158810.

Submission:

Labcorp Genetics (formerly Invitae), Labcorp
Classification: Uncertain significance for Bethlem myopathy 1A. Last evaluated: 2024-11-14. Review status: criteria provided, single submitter. Criteria: Invitae Variant Classification Sherloc (09022015). Collection method: clinical testing. Allele origin: germline.
Comment: This sequence change replaces aspartic acid, which is acidic and polar, with asparagine, which is neutral and polar, at codon 1554 of the COL6A3 protein (p.Asp1554Asn). This variant is not present in population databases (gnomAD no frequency). This variant has not been reported in the literature in individuals affected with COL6A3-related conditions. Invitae Evidence Modeling of protein sequence and biophysical properties (such as structural, functional, and spatial information, amino acid conservation, physicochemical variation, residue mobility, and thermodynamic stability) indicates that this missense variant is expected to disrupt COL6A3 protein function with a positive predictive value of 80%. In summary, the available evidence is currently insufficient to determine the role of this variant in disease. Therefore, it has been classified as a Variant of Uncertain Significance.